The following is an entry in ClinVar:

ClinVar aggregate classification (germline): Uncertain significance (1 of 4 stars; one submission).

Conditions:
Kabuki syndrome. Also called: Kabuki make-up syndrome; NIIKAWA-KUROKI SYNDROME. Identifiers: Orphanet 2322, MedGen C0796004, MONDO:0016512.

Submission:

Labcorp Genetics (formerly Invitae), Labcorp
Classification: Uncertain significance for Kabuki syndrome. Last evaluated: 2022-11-29. Review status: criteria provided, single submitter. Criteria: Invitae Variant Classification Sherloc (09022015). Collection method: clinical testing. Allele origin: germline.
Comment: In summary, the available evidence is currently insufficient to determine the role of this variant in disease. Therefore, it has been classified as a Variant of Uncertain Significance. This sequence change replaces proline, which is neutral and non-polar, with arginine, which is basic and polar, at codon 4293 of the KMT2D protein (p.Pro4293Arg). This variant is not present in population databases (gnomAD no frequency). This variant has not been reported in the literature in individuals affected with KMT2D-related conditions. Advanced modeling of protein sequence and biophysical properties (such as structural, functional, and spatial information, amino acid conservation, physicochemical variation, residue mobility, and thermodynamic stability) performed at Invitae indicates that this missense variant is not expected to disrupt KMT2D protein function.

NM_003482.4(KMT2D):c.12878C>G (p.Pro4293Arg)

Gene: KMT2D (lysine methyltransferase 2D; minus strand). Cytogenetic location: 12q13.12.
Variant type: single nucleotide variant.
Coding change: c.12878C>G on transcript NM_003482.4 (MANE Select); coding-DNA position 12878, C replaced by G.
Protein change: p.Pro4293Arg; replaces proline 4293 with arginine.
Molecular consequence: missense variant.
Genome position (GRCh38, 1-based): chr12:49,031,827, G>C on the plus strand (C>G on the coding strand, the complement: KMT2D is on the minus strand). VCF-style: chr12-49031827-G-C. GRCh37 (hg19) VCF-style: chr12-49425610-G-C.
Other names: short protein forms P4293R.
Identifiers: ClinVar variation 2817323 (VCV002817323.3), dbSNP rs1942930612, ClinGen allele CA384708787.